The following is an entry in ClinVar:

NM_000195.5(HPS1):c.814C>T (p.Gln272Ter)

Gene: HPS1 (HPS1 biogenesis of lysosomal organelles complex 3 subunit 1; minus strand). Cytogenetic location: 10q24.2.
Variant type: single nucleotide variant.
Coding change: c.814C>T on transcript NM_000195.5 (MANE Select); coding-DNA position 814, C replaced by T.
Protein change: p.Gln272Ter; replaces glutamine 272 with a stop codon.
Molecular consequence: nonsense. On other transcripts: 5 prime UTR variant (1), synonymous variant (1), intron variant (8).
Genome position (GRCh38, 1-based): chr10:98,429,844, G>A on the plus strand (C>T on the coding strand, the complement: HPS1 is on the minus strand). VCF-style: chr10-98429844-G-A. GRCh37 (hg19) VCF-style: chr10-100189601-G-A.
Other names: c.814C>T, p.Gln272Ter (NM_001322476.2, NM_001322477.2, NM_182639.4); c.553C>T, p.Gln185Ter (NM_001322480.2, NM_001322481.2); c.445C>T, p.Gln149Ter (NM_001322483.2, NM_001322484.2); c.-159C>T (NM_001322487.2); c.696C>T, p.Ser232= (NM_001322490.2); c.769-202C>T (NM_001322478.2, NM_001322479.2, NM_001322491.2); c.400-202C>T (NM_001322485.2); c.508-202C>T (NM_001322482.2); and 2 more; short protein forms Q149*, Q185*, Q272*.
Identifiers: ClinVar variation 1070980 (VCV001070980.9), dbSNP rs1846158787, ClinGen allele CA378051588.

ClinVar aggregate classification (germline): Pathogenic/Likely pathogenic. Review status: criteria provided, multiple submitters, no conflicts (2 of 4 stars). 3 submissions from 3 submitters: Pathogenic (2); Likely pathogenic (1). Last evaluated 2024-03-20.

Conditions:
Hermansky-Pudlak syndrome 1 (HPS1). Also called: DELTA STORAGE POOL DISEASE. Identifiers: Orphanet 231500, Orphanet 79430, MedGen C2931875, MONDO:0008748, OMIM 203300.

Allele frequency attached by ClinVar (database versions not stated): gnomAD 0.00001.
gnomAD v4.1: 12 of 1,613,406 alleles (0.00074%); highest among the groups gnomAD compares: African/African-American, 0.0027%; no homozygotes.

Submissions (3):

Fulgent Genetics
Classification: Pathogenic for Hermansky-Pudlak syndrome 1. Last evaluated: 2024-03-20. Review status: criteria provided, single submitter. Criteria: ACMG Guidelines, 2015. Collection method: clinical testing. Allele origin: germline.

Baylor Genetics
Classification: Likely pathogenic for Hermansky-Pudlak syndrome 1. Last evaluated: 2023-10-03. Review status: criteria provided, single submitter. Criteria: ACMG Guidelines, 2015. Collection method: clinical testing. Allele origin: unknown.

Labcorp Genetics (formerly Invitae), Labcorp
Classification: Pathogenic. Last evaluated: 2023-01-23. Review status: criteria provided, single submitter. Criteria: Invitae Variant Classification Sherloc (09022015). Collection method: clinical testing. Allele origin: germline.
Comment: For these reasons, this variant has been classified as Pathogenic. ClinVar contains an entry for this variant (Variation ID: 1070980). This variant has not been reported in the literature in individuals affected with HPS1-related conditions. This variant is not present in population databases (gnomAD no frequency). This sequence change creates a premature translational stop signal (p.Gln272*) in the HPS1 gene. It is expected to result in an absent or disrupted protein product. Loss-of-function variants in HPS1 are known to be pathogenic (PMID: 12442288, 16185271).

Literature cited by the submitters: PubMed 12442288 (cited by Labcorp Genetics (formerly Invitae), Labcorp); PubMed 16185271 (cited by Labcorp Genetics (formerly Invitae), Labcorp).